The following is an entry in ClinVar:

NM_001127222.2(CACNA1A):c.2970G>C (p.Glu990Asp)

Gene: CACNA1A (calcium voltage-gated channel subunit alpha1 A; minus strand). Cytogenetic location: 19p13.13.
Variant type: single nucleotide variant.
Coding change: c.2970G>C on transcript NM_001127222.2 (MANE Select); coding-DNA position 2970, G replaced by C.
Protein change: p.Glu990Asp; replaces glutamic acid 990 with aspartic acid.
Molecular consequence: missense variant.
Genome position (GRCh38, 1-based): chr19:13,298,663, C>G on the plus strand (G>C on the coding strand, the complement: CACNA1A is on the minus strand). VCF-style: chr19-13298663-C-G. GRCh37 (hg19) VCF-style: chr19-13409477-C-G.
Other names: c.2982G>C, p.Glu994Asp (NM_000068.4, NM_023035.3); c.2973G>C, p.Glu991Asp (NM_001127221.2, NM_001174080.2); short protein forms E990D, E991D, E994D.
Identifiers: ClinVar variation 4791438 (VCV004791438.1).

ClinVar aggregate classification (germline): Uncertain significance (1 of 4 stars; one submission).

Conditions:
Episodic ataxia type 2 (EA2). Also called: ACETAZOLAMIDE-RESPONSIVE HEREDITARY PAROXYSMAL CEREBELLAR ATAXIA; ATAXIA, EPISODIC, WITH NYSTAGMUS; ATAXIA, FAMILIAL PAROXYSMAL; CEREBELLAR ATAXIA, PAROXYSMAL, ACETAZOLAMIDE-RESPONSIVE; CEREBELLOPATHY, HEREDITARY PAROXYSMAL; EPISODIC ATAXIA, NYSTAGMUS-ASSOCIATED. Identifiers: Orphanet 97, MedGen C1720416, MONDO:0007163, OMIM 108500.
Developmental and epileptic encephalopathy, 42 (DEE42A). Also called: Epileptic encephalopathy, early infantile, 42; DEVELOPMENTAL AND EPILEPTIC ENCEPHALOPATHY 42A; EPILEPTIC ENCEPHALOPATHY, EARLY INFANTILE, 42A. Identifiers: MedGen C4310716, MONDO:0014917, OMIM 617106.

gnomAD v4.1: 8 of 1,497,806 alleles (0.00053%); highest among the groups gnomAD compares: Admixed American, 0.0023%; no homozygotes.

Submission:

Labcorp Genetics (formerly Invitae), Labcorp
Classification: Uncertain significance for Developmental and epileptic encephalopathy, 42; Episodic ataxia type 2. Last evaluated: 2025-10-01. Review status: criteria provided, single submitter. Criteria: Invitae Variant Classification Sherloc (09022015). Collection method: clinical testing. Allele origin: germline.
Comment: This sequence change replaces glutamic acid, which is acidic and polar, with aspartic acid, which is acidic and polar, at codon 991 of the CACNA1A protein (p.Glu991Asp). This variant is not present in population databases (gnomAD no frequency). This variant has not been reported in the literature in individuals affected with CACNA1A-related conditions. Invitae Evidence Modeling of protein sequence and biophysical properties (such as structural, functional, and spatial information, amino acid conservation, physicochemical variation, residue mobility, and thermodynamic stability) indicates that this missense variant is not expected to disrupt CACNA1A protein function with a negative predictive value of 95%. In summary, the available evidence is currently insufficient to determine the role of this variant in disease. Therefore, it has been classified as a Variant of Uncertain Significance.